The following is an entry in ClinVar:

NM_000063.6(C2):c.104T>C (p.Phe35Ser)

Gene: C2 (complement C2; plus strand). Cytogenetic location: 6p21.33.
Variant type: single nucleotide variant.
Coding change: c.104T>C on transcript NM_000063.6 (MANE Select); coding-DNA position 104, T replaced by C.
Protein change: p.Phe35Ser; replaces phenylalanine 35 with serine.
Molecular consequence: missense variant. On other transcripts: 5 prime UTR variant (1), genic upstream transcript variant (2), intron variant (1).
Genome position (GRCh38, 1-based): chr6:31,928,012, T>C. VCF-style: chr6-31928012-T-C. GRCh37 (hg19) VCF-style: chr6-31895789-T-C.
Other names: c.-12T>C (NM_001282458.2); c.104T>C, p.Phe35Ser (NM_001282459.2); c.-63-5598T>C (NM_001282457.2); c.74-5598T>C (NM_001178063.3); c.46+214T>C (NM_001145903.3); short protein forms F35S.
Identifiers: ClinVar variation 2609738 (VCV002609738.3), dbSNP rs377750767, ClinGen allele CA3727289.
Genomic context (GRCh38, chr6:31,928,012, plus strand): 5'-TAGGTCTGGCAGACTCGGCTCCCTCCTGCCCTCAGAACGTGAATATCTCGGGTGGCACCT[T>C]CACCCTCAGCCATGGCTGGGCTCCTGGGAGCCTTCTCACCTACTCCTGCCCCCAGGGCCT-3'
Protein context (NP_000054.2, residues 25-45): PQNVNISGGT[Phe35Ser]TLSHGWAPGS

ClinVar aggregate classification (germline): Uncertain significance (1 of 4 stars; one submission).

Allele frequency attached by ClinVar (database versions not stated): TOPMed 0.00005; ESP Exome Variant Server 0.00008; gnomAD exomes below 0.00001; ExAC 0.00002; gnomAD 0.00005.
gnomAD v4.1: 12 of 1,614,176 alleles (0.00074%); highest among the groups gnomAD compares: African/African-American, 0.016%; no homozygotes.

Submission:

Ambry Genetics
Classification: Uncertain significance. Last evaluated: 2026-07-06. Review status: criteria provided, single submitter. Criteria: Ambry Variant Classification Scheme 2023. Collection method: clinical testing. Allele origin: germline.
Comment: The c.104T>C (p.F35S) alteration is located in exon 2 (coding exon 2) of the C2 gene. This alteration results from a T to C substitution at nucleotide position 104, causing the phenylalanine (F) at amino acid position 35 to be replaced by a serine (S). Based on data from gnomAD, the C allele has an overall frequency of 0.001% (4/282774) total alleles studied. The highest observed frequency was 0.016% (4/24956) of African alleles. Based on insufficient or conflicting evidence, the clinical significance of this alteration remains unclear.